The following is an entry in ClinVar:

ClinVar aggregate classification (germline): Benign (1 of 4 stars; one submission).

Allele frequency attached by ClinVar (database versions not stated): TOPMed 0.20932; 1000 Genomes Project 30x 0.21643; gnomAD 0.21715 and 0.21843; 1000 Genomes Project 0.22025.
gnomAD v4.1: 32,976 of 151,940 alleles (22%); highest among the groups gnomAD compares: East Asian, 32%; 3,667 homozygotes.

Submission:

GeneDx
Classification: Benign. Last evaluated: 2018-06-14. Review status: criteria provided, single submitter. Criteria: GeneDx Variant Classification (06012015). Collection method: clinical testing. Allele origin: germline. Affected: yes.
Comment: This variant is considered likely benign or benign based on one or more of the following criteria: it is a conservative change, it occurs at a poorly conserved position in the protein, it is predicted to be benign by multiple in silico algorithms, and/or has population frequency not consistent with disease.

NM_002474.3(MYH11):c.634-1918G>A

Gene: MYH11 (myosin heavy chain 11; minus strand). Cytogenetic location: 16p13.11.
Variant type: single nucleotide variant.
Coding change: c.634-1918G>A on transcript NM_002474.3 (MANE Select); 1918 bases into the intron before coding-DNA position 634, G replaced by A.
Molecular consequence: intron variant.
Genome position (GRCh38, 1-based): chr16:15,784,395, C>T on the plus strand (G>A on the coding strand, the complement: MYH11 is on the minus strand). VCF-style: chr16-15784395-C-T. GRCh37 (hg19) VCF-style: chr16-15878252-C-T.
Other names: c.634-1918G>A (NM_022844.3); c.654+303G>A (NM_001040114.2, NM_001040113.2).
Identifiers: ClinVar variation 680654 (VCV000680654.1), dbSNP rs8045778, ClinGen allele CA14241629.